The following is an entry in ClinVar:

ClinVar aggregate classification (germline): Uncertain significance (1 of 4 stars; one submission).

Conditions:
Complex cortical dysplasia with other brain malformations 6. Identifiers: MedGen C4014283, MONDO:0014341, OMIM 615771.

Submission:

3billion
Classification: Uncertain significance for Complex cortical dysplasia with other brain malformations 6. Last evaluated: 2025-12-08. Review status: criteria provided, single submitter. Criteria: ACMG Guidelines, 2015. Collection method: clinical testing. Allele origin: germline. Affected: yes.
Comment: The variant is not observed in the gnomAD v4.1.0 dataset. Predicted Consequence/Location: Missense variant. Missense changes are a common disease-causing mechanism. In silico tool predictions suggest damaging effect of the variant on gene or gene product [REVEL: 0.66 (>=0.6, sensitivity 0.68 and specificity 0.92); 3Cnet: 0.99 (> 0.75, sensitivity 0.96 and precision 0.92)]. Therefore, this variant is classified as VUS according to the recommendation of ACMG/AMP guideline.

NM_178014.4(TUBB):c.593A>G (p.Glu198Gly)

Gene: TUBB (tubulin beta class I; plus strand). Cytogenetic location: 6p21.33.
Variant type: single nucleotide variant.
Coding change: c.593A>G on transcript NM_178014.4 (MANE Select); coding-DNA position 593, A replaced by G.
Protein change: p.Glu198Gly; replaces glutamic acid 198 with glycine.
Molecular consequence: missense variant. On other transcripts: intron variant (1).
Genome position (GRCh38, 1-based): chr6:30,723,655, A>G. VCF-style: chr6-30723655-A-G. GRCh37 (hg19) VCF-style: chr6-30691432-A-G.
Other names: c.461A>G, p.Glu154Gly (NM_001293214.2); c.377A>G, p.Glu126Gly (NM_001293215.2, NM_001293216.2); c.369+224A>G (NM_001293213.2); c.653A>G, p.Glu218Gly (NM_001293212.2); short protein forms E126G, E154G, E198G, E218G.
Identifiers: ClinVar variation 4854668 (VCV004854668.1).